The following is an entry in ClinVar:

NM_000443.4(ABCB4):c.3515G>T (p.Gly1172Val)

Gene: ABCB4 (ATP binding cassette subfamily B member 4; minus strand). Cytogenetic location: 7q21.12.
Variant type: single nucleotide variant.
Coding change: c.3515G>T on transcript NM_000443.4 (MANE Select); coding-DNA position 3515, G replaced by T.
Protein change: p.Gly1172Val; replaces glycine 1172 with valine.
Molecular consequence: missense variant.
Genome position (GRCh38, 1-based): chr7:87,403,253, C>A on the plus strand (G>T on the coding strand, the complement: ABCB4 is on the minus strand). VCF-style: chr7-87403253-C-A. GRCh37 (hg19) VCF-style: chr7-87032569-C-A.
Other names: c.3536G>T, p.Gly1179Val (NM_018849.3); c.3374G>T, p.Gly1125Val (NM_018850.3); short protein forms G1125V, G1172V, G1179V.
Identifiers: ClinVar variation 4846457 (VCV004846457.1).

ClinVar aggregate classification (germline): Uncertain significance (1 of 4 stars; one submission).

Conditions:
Familial intrahepatic cholestasis. Identifiers: Orphanet 284385, MedGen CN296401, MONDO:0017290.
Low phospholipid associated cholelithiasis (GBD1). Also called: Gallbladder disease 1; Gallstone cholecystitis. Identifiers: Orphanet 69663, MedGen C2609268, MONDO:0010939, OMIM 600803.

Submission:

Genomenon, Inc
Classification: Uncertain significance for Familial intrahepatic cholestasis; Low phospholipid associated cholelithiasis. Last evaluated: 2026-04-14. Review status: criteria provided, single submitter. Criteria: Genomenon Sequence Variant Interpretation Standards - Updated. Collection method: curation. Allele origin: germline. Affected: no.
Comment: ABCB4 p.Gly1172Val (c.3515G>T) is a missense variant that changes the amino acid at residue 1172 from Glycine to Valine. This variant has been reported in the published literature (PMID:30366773). It is absent or not present at a significant frequency in gnomAD. In silico models predict that this variant is possibly or probably damaging. In conclusion, we classify ABCB4 p.Gly1172Val (c.3515G>T) as a variant of uncertain significance.

Literature cited by the submitters: PubMed 30366773.